The following is an entry in ClinVar:

NM_001127511.3(APC):c.165+26989G>C

Gene: APC (APC regulator of Wnt signaling pathway; plus strand). Cytogenetic location: 5q22.2.
Variant type: single nucleotide variant.
Coding change: c.165+26989G>C on transcript NM_001127511.3; 26989 bases into the intron after coding-DNA position 165, G replaced by C.
Molecular consequence: intron variant.
Genome position (GRCh38, 1-based): chr5:112,734,871, G>C. VCF-style: chr5-112734871-G-C. GRCh37 (hg19) VCF-style: chr5-112070568-G-C.
Other names: c.-18-20002G>C (NM_001407448.1, NM_001407450.1, NM_001407457.1 and 7 more transcripts); c.-43+27222G>C (NM_001407453.1); c.-1053-20002G>C (NM_001407470.1, NM_001407472.1); c.165+26989G>C (NM_001407446.1, NM_001354897.2, NM_001354902.2).
Identifiers: ClinVar variation 82318 (VCV000082318.4), dbSNP rs77976130, ClinGen allele CA023603.

ClinVar aggregate classification (germline): other (0 of 4 stars; one submission).

Conditions:
Familial colorectal cancer. Identifiers: MedGen CN280943, MONDO:0023113. Disease mechanism: loss of function.

Submission:

Systems Biology Platform Zhejiang California International NanoSystems Institute
Classification: other for Familial colorectal cancer. Review status: no assertion criteria provided. Collection method: not provided. Allele origin: unknown.
ClinVar note: Converted during submission from cancer to other.